The following is an entry in ClinVar:

NM_001330723.2(SNX27):c.27T>G (p.Ile9Met)

Genes: SNX27 (sorting nexin 27; plus strand), LOC129931442 (ATAC-STARR-seq lymphoblastoid silent region 1324; plus strand). Cytogenetic location: 1q21.3.
Variant type: single nucleotide variant.
Coding change: c.27T>G on transcript NM_001330723.2 (MANE Select); coding-DNA position 27, T replaced by G.
Protein change: p.Ile9Met; replaces isoleucine 9 with methionine.
Molecular consequence: missense variant.
Genome position (GRCh38, 1-based): chr1:151,612,228, T>G. VCF-style: chr1-151612228-T-G. GRCh37 (hg19) VCF-style: chr1-151584704-T-G.
Other names: c.27T>G, p.Ile9Met (NM_030918.6); short protein forms I9M.
Identifiers: ClinVar variation 2013226 (VCV002013226.2), dbSNP rs766165959, ClinGen allele CA1093333.

ClinVar aggregate classification (germline): Uncertain significance (1 of 4 stars; one submission).

Conditions:
Severe myoclonic epilepsy in infancy (DRVT). Also called: Epileptic encephalopathy, early infantile, 6 (Dravet syndrome); Dravet syndrome; DEVELOPMENTAL AND EPILEPTIC ENCEPHALOPATHY 6A; Severe Myoclonic Epilepsy in Infancy (SMEI); SEVERE MYOCLONIC EPILEPSY OF INFANCY. Identifiers: Orphanet 33069, MedGen C0751122, MONDO:0100135, OMIM 607208.

gnomAD v4.1: 1 of 1,393,712 alleles (0.000072%); highest among the groups gnomAD compares: Non-Finnish European, 0.000093%; no homozygotes.

Submission:

Labcorp Genetics (formerly Invitae), Labcorp
Classification: Uncertain significance for Severe myoclonic epilepsy in infancy. Last evaluated: 2022-07-02. Review status: criteria provided, single submitter. Criteria: Invitae Variant Classification Sherloc (09022015). Collection method: clinical testing. Allele origin: germline.
Comment: In summary, the available evidence is currently insufficient to determine the role of this variant in disease. Therefore, it has been classified as a Variant of Uncertain Significance. Algorithms developed to predict the effect of missense changes on protein structure and function (SIFT, PolyPhen-2, Align-GVGD) all suggest that this variant is likely to be tolerated. This variant has not been reported in the literature in individuals affected with SNX27-related conditions. This variant is not present in population databases (gnomAD no frequency). This sequence change replaces isoleucine, which is neutral and non-polar, with methionine, which is neutral and non-polar, at codon 9 of the SNX27 protein (p.Ile9Met).